The following is an entry in ClinVar:

ClinVar aggregate classification (germline): Conflicting classifications of pathogenicity. Review status: criteria provided, conflicting classifications (1 of 4 stars). 3 submissions from 3 submitters: Uncertain significance (2); Likely benign (1). Last evaluated 2025-03-14.

Conditions:
Inborn genetic diseases. Identifiers: MedGen C0950123, MeSH D030342.
Multiple mitochondrial dysfunctions syndrome 1 (MMDS1). Identifiers: Orphanet 401869, MedGen C3276432, MONDO:0011582, OMIM 605711.

Allele frequency attached by ClinVar (database versions not stated): TOPMed 0.00003; ExAC 0.00005; gnomAD 0.00005; gnomAD exomes 0.00006 and 0.00008.
gnomAD v4.1: 119 of 1,610,612 alleles (0.0074%); highest among the groups gnomAD compares: Non-Finnish European, 0.0097%; no homozygotes.

Submissions (3):

GeneDx
Classification: Uncertain significance. Last evaluated: 2025-03-14. Review status: criteria provided, single submitter. Criteria: GeneDx Variant Classification Process June 2021. Collection method: clinical testing. Allele origin: germline. Affected: yes.
Comment: Not observed at significant frequency in large population cohorts (gnomAD); In silico analysis indicates that this missense variant does not alter protein structure/function; Has not been previously published as pathogenic or benign to our knowledge

Labcorp Genetics (formerly Invitae), Labcorp
Classification: Uncertain significance for Multiple mitochondrial dysfunctions syndrome 1. Last evaluated: 2025-01-15. Review status: criteria provided, single submitter. Criteria: Invitae Variant Classification Sherloc (09022015). Collection method: clinical testing. Allele origin: germline.
Comment: This sequence change replaces arginine, which is basic and polar, with leucine, which is neutral and non-polar, at codon 7 of the NFU1 protein (p.Arg7Leu). This variant is present in population databases (rs765309844, gnomAD 0.01%). This variant has not been reported in the literature in individuals affected with NFU1-related conditions. ClinVar contains an entry for this variant (Variation ID: 1412325). An algorithm developed to predict the effect of missense changes on protein structure and function outputs the following: PolyPhen-2: "Not Available". The leucine amino acid residue is found in multiple mammalian species, which suggests that this missense change does not adversely affect protein function. In summary, the available evidence is currently insufficient to determine the role of this variant in disease. Therefore, it has been classified as a Variant of Uncertain Significance.

Ambry Genetics
Classification: Likely benign for Inborn genetic diseases. Last evaluated: 2021-08-30. Review status: criteria provided, single submitter. Criteria: Ambry Variant Classification Scheme 2023. Collection method: clinical testing. Allele origin: germline.

NM_001002755.4(NFU1):c.20G>T (p.Arg7Leu)

Genes: NFU1 (NFU1 iron-sulfur cluster scaffold; minus strand), LOC129934004 (ATAC-STARR-seq lymphoblastoid active region 15971; plus strand). Cytogenetic location: 2p13.3.
Variant type: single nucleotide variant.
Coding change: c.20G>T on transcript NM_001002755.4 (MANE Select); coding-DNA position 20, G replaced by T.
Protein change: p.Arg7Leu; replaces arginine 7 with leucine.
Molecular consequence: missense variant. On other transcripts: 5 prime UTR variant (2), non-coding transcript variant (2), intron variant (1).
Genome position (GRCh38, 1-based): chr2:69,437,403, C>A on the plus strand (G>T on the coding strand, the complement: NFU1 is on the minus strand). VCF-style: chr2-69437403-C-A. GRCh37 (hg19) VCF-style: chr2-69664535-C-A.
Other names: c.-358G>T (NM_001002756.2); c.-143G>T (NM_015700.4); c.-11+650G>T (NM_001374284.1); c.20G>T (NM_001002755.2, NM_001002755.1); short protein forms R7L.
Identifiers: ClinVar variation 1412325 (VCV001412325.8), dbSNP rs765309844, ClinGen allele CA1694340.